The following is an entry in ClinVar:

ClinVar aggregate classification (germline): Uncertain significance (1 of 4 stars; one submission).

Conditions:
Cardiovascular phenotype. Identifiers: MedGen CN230736.

Submission:

Ambry Genetics
Classification: Uncertain significance for Cardiovascular phenotype. Last evaluated: 2025-11-04. Review status: criteria provided, single submitter. Criteria: Ambry Variant Classification Scheme 2023. Collection method: clinical testing. Allele origin: germline.
Comment: The p.S1068A variant (also known as c.3202T>G), located in coding exon 2 of the ZNF469 gene, results from a T to G substitution at nucleotide position 3202. The serine at codon 1068 is replaced by alanine, an amino acid with similar properties. This amino acid position is conserved. In addition, this alteration is predicted to be tolerated by in silico analysis. Based on the available evidence, the clinical significance of this variant remains unclear.

NM_001127464.1:c.3202T>G

Gene: ZNF469 (zinc finger protein 469; plus strand).
Variant type: single nucleotide variant.
Identifiers: ClinVar variation 4615491 (VCV004615491.1).